The following is an entry in ClinVar:

NM_001081550.2(THOC2):c.2177C>T (p.Ser726Phe)

Gene: THOC2 (THO complex subunit 2; minus strand). Cytogenetic location: Xq25.
Variant type: single nucleotide variant.
Coding change: c.2177C>T on transcript NM_001081550.2 (MANE Select); coding-DNA position 2177, C replaced by T.
Protein change: p.Ser726Phe; replaces serine 726 with phenylalanine.
Molecular consequence: missense variant.
Genome position (GRCh38, 1-based): chrX:123,633,000, G>A on the plus strand (C>T on the coding strand, the complement: THOC2 is on the minus strand). VCF-style: chrX-123633000-G-A. GRCh37 (hg19) VCF-style: chrX-122766851-G-A.
Other names: short protein forms S726F.
Identifiers: ClinVar variation 3177082 (VCV003177082.2), dbSNP rs2521191305, ClinGen allele CA414268016.

ClinVar aggregate classification (germline): Uncertain significance (1 of 4 stars; one submission).

Conditions:
Inborn genetic diseases. Identifiers: MedGen C0950123, MeSH D030342.

Submission:

Ambry Genetics
Classification: Uncertain significance for Inborn genetic diseases. Last evaluated: 2024-04-11. Review status: criteria provided, single submitter. Criteria: Ambry Variant Classification Scheme 2023. Collection method: clinical testing. Allele origin: germline.
Comment: The c.2177C>T (p.S726F) alteration is located in exon 21 (coding exon 21) of the THOC2 gene. This alteration results from a C to T substitution at nucleotide position 2177, causing the serine (S) at amino acid position 726 to be replaced by a phenylalanine (F). This variant was not reported in population-based cohorts in the Genome Aggregation Database (gnomAD). This amino acid position is highly conserved in available vertebrate species. This missense alteration is located in a region that has a low rate of benign missense variation (Lek, 2016; Firth, 2009). This alteration is predicted to be deleterious by in silico analysis. Based on insufficient or conflicting evidence, the clinical significance of this alteration remains unclear.